The following is an entry in ClinVar:

NM_001001563.5(TIMM50):c.630C>T (p.Pro210=)

Gene: TIMM50 (translocase of inner mitochondrial membrane 50; plus strand). Cytogenetic location: 19q13.2.
Variant type: single nucleotide variant.
Coding change: c.630C>T on transcript NM_001001563.5 (MANE Select); coding-DNA position 630, C replaced by T.
Protein change: p.Pro210=; no amino-acid change (proline 210 retained).
Molecular consequence: synonymous variant.
Genome position (GRCh38, 1-based): chr19:39,486,429, C>T. VCF-style: chr19-39486429-C-T. GRCh37 (hg19) VCF-style: chr19-39977069-C-T.
Other names: c.291C>T, p.Pro97= (NM_001329559.2).
Identifiers: ClinVar variation 1659512 (VCV001659512.39), dbSNP rs141084794, ClinGen allele CA9431918.

ClinVar aggregate classification (germline): Likely benign. Review status: criteria provided, multiple submitters, no conflicts (2 of 4 stars). 2 submissions from 2 submitters: Likely benign (2). Last evaluated 2026-01-16.

Allele frequency attached by ClinVar (database versions not stated): ExAC 0.00005; gnomAD exomes 0.00005 and 0.00006; gnomAD 0.00006 and 0.00007; TOPMed 0.00010; ESP Exome Variant Server 0.00015.

Submissions (2):

Labcorp Genetics (formerly Invitae), Labcorp
Classification: Likely benign. Last evaluated: 2026-01-16. Review status: criteria provided, single submitter. Criteria: Invitae Variant Classification Sherloc (09022015). Collection method: clinical testing. Allele origin: germline.

CeGaT Center for Human Genetics Tuebingen
Classification: Likely benign. Last evaluated: 2022-05-01. Review status: criteria provided, single submitter. Criteria: CeGaT Center For Human Genetics Tuebingen Variant Classification Criteria Version 2. Collection method: clinical testing. Allele origin: germline. Affected: yes. Observed: 1 variant allele.
Comment: TIMM50: BP4, BP7